The following is an entry in ClinVar:

ClinVar aggregate classification (germline): Uncertain significance (1 of 4 stars; one submission).

Conditions:
Juvenile polyposis syndrome (JPS). Identifiers: Orphanet 2929, MedGen C0345893, MONDO:0017380, OMIM 174900.

Submission:

Labcorp Genetics (formerly Invitae), Labcorp
Classification: Uncertain significance for Juvenile polyposis syndrome. Last evaluated: 2025-09-15. Review status: criteria provided, single submitter. Criteria: Invitae Variant Classification Sherloc (09022015). Collection method: clinical testing. Allele origin: germline.
Comment: This sequence change replaces lysine, which is basic and polar, with arginine, which is basic and polar, at codon 333 of the BMPR1A protein (p.Lys333Arg). This variant is not present in population databases (gnomAD no frequency). This variant has not been reported in the literature in individuals affected with BMPR1A-related conditions. Invitae Evidence Modeling of protein sequence and biophysical properties (such as structural, functional, and spatial information, amino acid conservation, physicochemical variation, residue mobility, and thermodynamic stability) indicates that this missense variant is not expected to disrupt BMPR1A protein function with a negative predictive value of 80%. In summary, the available evidence is currently insufficient to determine the role of this variant in disease. Therefore, it has been classified as a Variant of Uncertain Significance.

NM_004329.3(BMPR1A):c.998A>G (p.Lys333Arg)

Gene: BMPR1A (bone morphogenetic protein receptor type 1A; plus strand). Cytogenetic location: 10q23.2.
Variant type: single nucleotide variant.
Coding change: c.998A>G on transcript NM_004329.3 (MANE Select); coding-DNA position 998, A replaced by G.
Protein change: p.Lys333Arg; replaces lysine 333 with arginine.
Molecular consequence: missense variant. On other transcripts: non-coding transcript variant (3).
Genome position (GRCh38, 1-based): chr10:86,919,301, A>G. VCF-style: chr10-86919301-A-G. GRCh37 (hg19) VCF-style: chr10-88679058-A-G.
Other names: c.998A>G, p.Lys333Arg (NM_001406579.1, NM_001406580.1, NM_001406581.1 and 19 more transcripts); c.992A>G, p.Lys331Arg (NM_001406583.1); c.914A>G, p.Lys305Arg (NM_001406584.1, NM_001406585.1, NM_001406586.1 and 2 more transcripts); c.1073A>G, p.Lys358Arg (NM_001406559.1); c.1046A>G, p.Lys349Arg (NM_001406560.1); c.656A>G, p.Lys219Arg (NM_001406589.1); short protein forms K219R, K305R, K331R, K333R, K349R, K358R.
Identifiers: ClinVar variation 4797824 (VCV004797824.1).